The following is an entry in ClinVar:

ClinVar aggregate classification (germline): Conflicting classifications of pathogenicity. Review status: criteria provided, conflicting classifications (1 of 4 stars). 4 submissions from 4 submitters: Uncertain significance (3); Likely benign (1). Last evaluated 2025-09-02.

Conditions:
Hereditary cancer-predisposing syndrome. Also called: Neoplastic Syndromes, Hereditary; Tumor predisposition; Hereditary Cancer Syndrome; Hereditary neoplastic syndrome. Identifiers: Orphanet 140162, MedGen C0027672, MeSH D009386, MONDO:0015356.
Hereditary breast ovarian cancer syndrome. Also called: Hereditary breast and ovarian cancer syndrome; BRCA1- and BRCA2-Associated Hereditary Breast and Ovarian Cancer; Breast and ovarian cancer; Hereditary breast and/or ovarian cancer syndrome; Hereditary breast and ovarian cancer; Hereditary breast and ovarian cancer syndrome (HBOC). Identifiers: Orphanet 145, MedGen C0677776, MeSH D061325, MONDO:0003582. Disease mechanism: loss of function.

Allele frequency attached by ClinVar (database versions not stated): gnomAD exomes 0.00001; ExAC 0.00002.
gnomAD v4.1: 9 of 1,613,924 alleles (0.00056%); highest among the groups gnomAD compares: South Asian, 0.0066%; no homozygotes.

Submissions (4):

Quest Diagnostics Nichols Institute San Juan Capistrano
Classification: Uncertain significance. Last evaluated: 2025-09-02. Review status: criteria provided, single submitter. Criteria: Quest Diagnostics criteria. Collection method: clinical testing. Allele origin: unknown.
Comment: The BRCA1 c.3154A>G (p.Asn1052Asp) variant has been reported in individuals who underwent genetic testing for hereditary cancer (PMID: 31853058 (2020)), and described to be located in a region of the BRCA1 gene that is tolerant to missense sequence changes (PMID: 31911673 (2020)). The frequency of this variant in the general population (Genome Aggregation Database) is uninformative in the assessment of its pathogenicity. Analysis of this variant using bioinformatics tools for the prediction of the effect of amino acid changes on protein structure and function yielded conflicting predictions that this variant is benign or damaging. Based on the available information, we are unable to determine the clinical significance of this variant.

Ambry Genetics
Classification: Uncertain significance for Hereditary cancer-predisposing syndrome. Last evaluated: 2024-08-15. Review status: criteria provided, single submitter. Criteria: Ambry Variant Classification Scheme 2023. Collection method: clinical testing. Allele origin: germline.
Comment: The p.N1052D variant (also known as c.3154A>G), located in coding exon 9 of the BRCA1 gene, results from an A to G substitution at nucleotide position 3154. The asparagine at codon 1052 is replaced by aspartic acid, an amino acid with highly similar properties. This amino acid position is highly conserved on limited sequence alignment. In addition, the in silico prediction for this alteration is inconclusive. Based on the available evidence, the clinical significance of this variant remains unclear.

Labcorp Genetics (formerly Invitae), Labcorp
Classification: Uncertain significance for Hereditary breast ovarian cancer syndrome. Last evaluated: 2024-02-05. Review status: criteria provided, single submitter. Criteria: Invitae Variant Classification Sherloc (09022015). Collection method: clinical testing. Allele origin: germline.
Comment: This sequence change replaces asparagine, which is neutral and polar, with aspartic acid, which is acidic and polar, at codon 1052 of the BRCA1 protein (p.Asn1052Asp). This variant is present in population databases (rs768995134, gnomAD 0.01%). This variant has not been reported in the literature in individuals affected with BRCA1-related conditions. ClinVar contains an entry for this variant (Variation ID: 232778). Advanced modeling of protein sequence and biophysical properties (such as structural, functional, and spatial information, amino acid conservation, physicochemical variation, residue mobility, and thermodynamic stability) performed at Invitae indicates that this missense variant is not expected to disrupt BRCA1 protein function with a negative predictive value of 95%. In summary, the available evidence is currently insufficient to determine the role of this variant in disease. Therefore, it has been classified as a Variant of Uncertain Significance.

University of Washington Department of Laboratory Medicine, University of Washington
Classification: Likely benign for Hereditary cancer-predisposing syndrome. Last evaluated: 2023-03-23. Review status: criteria provided, single submitter. Criteria: Dines et al. (Genet Med. 2020). Collection method: curation. Allele origin: germline.
Comment: Missense variant in a coldspot region where missense variants are very unlikely to be pathogenic (PMID:31911673).

BRCA1 coldspot (exon 11 using historical exon numbering). Reclassification based on statistical prior probability

Literature cited by the submitters: PubMed 31853058 (cited by Quest Diagnostics Nichols Institute San Juan Capistrano); PubMed 31911673 (cited by Quest Diagnostics Nichols Institute San Juan Capistrano).

NM_007294.4(BRCA1):c.3154A>G (p.Asn1052Asp)

Gene: BRCA1 (BRCA1 DNA repair associated; minus strand). Cytogenetic location: 17q21.31.
Variant type: single nucleotide variant.
Coding change: c.3154A>G on transcript NM_007294.4 (MANE Select); coding-DNA position 3154, A replaced by G.
Protein change: p.Asn1052Asp; replaces asparagine 1052 with aspartic acid.
Molecular consequence: missense variant. On other transcripts: intron variant (137).
Genome position (GRCh38, 1-based): chr17:43,092,377, T>C on the plus strand (A>G on the coding strand, the complement: BRCA1 is on the minus strand). VCF-style: chr17-43092377-T-C. GRCh37 (hg19) VCF-style: chr17-41244394-T-C.
Other names: c.575-1345A>G (NM_001408493.1, NM_001408490.1, NM_001408491.1); c.455-1345A>G (NM_001408502.1); c.578-1345A>G (NM_001408489.1, NM_001408479.1, NM_001408482.1 and 9 more transcripts); c.662-1345A>G (NM_001408445.1, NM_001408432.1, NM_001408450.1 and 6 more transcripts); c.668-1345A>G (NM_001408431.1, NM_001408424.1, NM_001408421.1); c.785-1345A>G (NM_001408407.1, NM_001408402.1, NM_001408473.1 and 13 more transcripts); c.665-1345A>G (NM_001408443.1, NM_001408439.1, NM_001408425.1 and 12 more transcripts); c.671-1345A>G (NM_001408419.1, NM_001408422.1, NM_001408418.1 and 2 more transcripts); and 41 more; short protein forms N1052D, N1005D, N1025D, N1049D, N924D, N941D, N985D, N1004D.
Identifiers: ClinVar variation 232778 (VCV000232778.12), dbSNP rs768995134, ClinGen allele CA058093.